The following is an entry in ClinVar:

ClinVar aggregate classification (germline): Pathogenic. Review status: criteria provided, multiple submitters, no conflicts (2 of 4 stars). 2 submissions from 2 submitters: Pathogenic (2). Last evaluated 2024-12-02.

Conditions:
Hereditary cancer-predisposing syndrome. Also called: Tumor predisposition; Hereditary neoplastic syndrome; Neoplastic Syndromes, Hereditary; Hereditary Cancer Syndrome. Identifiers: Orphanet 140162, MedGen C0027672, MeSH D009386, MONDO:0015356.

Submissions (2):

Labcorp Genetics (formerly Invitae), Labcorp
Classification: Pathogenic for Hereditary cancer-predisposing syndrome. Last evaluated: 2024-12-02. Review status: criteria provided, single submitter. Criteria: Invitae Variant Classification Sherloc (09022015). Collection method: clinical testing. Allele origin: germline.
Comment: This sequence change creates a premature translational stop signal (p.Ser451Argfs*6) in the RAD50 gene. It is expected to result in an absent or disrupted protein product. Loss-of-function variants in RAD50 are known to be pathogenic (PMID: 19409520). This variant is present in population databases (no rsID available, gnomAD 0.01%). This variant has not been reported in the literature in individuals affected with RAD50-related conditions. For these reasons, this variant has been classified as Pathogenic.

Ambry Genetics
Classification: Pathogenic for Hereditary cancer-predisposing syndrome. Last evaluated: 2022-08-19. Review status: criteria provided, single submitter. Criteria: Ambry Variant Classification Scheme 2023. Collection method: clinical testing. Allele origin: germline.
Comment: The c.1353_1356delTAAG pathogenic mutation, located in coding exon 9 of the RAD50 gene, results from a deletion of 4 nucleotides at nucleotide positions 1353 to 1356, causing a translational frameshift with a predicted alternate stop codon. This alteration is expected to result in loss of function by premature protein truncation or nonsense-mediated mRNA decay. As such, this alteration is interpreted as a disease-causing mutation.

Literature cited by the submitters: PubMed 19409520 (cited by Labcorp Genetics (formerly Invitae), Labcorp).

NM_005732.4(RAD50):c.1353_1356del (p.Ser451fs)

Gene: RAD50 (RAD50 double strand break repair protein; plus strand). Cytogenetic location: 5q31.1.
Variant type: Microsatellite.
Coding change: c.1353_1356del on transcript NM_005732.4 (MANE Select); coding-DNA positions 1353 to 1356, 4 bases deleted (TAAG; older notation c.1353_1356delTAAG).
Protein change: p.Ser451fs; shifts the reading frame from serine 451.
Molecular consequence: frameshift variant.
Genome position (GRCh38, 1-based): chr5:132,589,738-132,589,741, TAAG deleted; deleting any 4 consecutive bases within chr5:132,589,734-132,589,741 gives the same sequence; the c. name uses the placement nearest the transcript's 3' end. VCF-style (leftmost placement, unchanged base first): chr5-132589733-CTAAG-C. GRCh37 (hg19) VCF-style: chr5-131925425-CTAAG-C.
Other names: short protein forms S451fs.
Identifiers: ClinVar variation 818961 (VCV000818961.11), dbSNP rs1272811865, ClinGen allele CA563057471.